The following is an entry in ClinVar:

NM_183357.3(ADCY5):c.203G>C (p.Arg68Pro)

Gene: ADCY5 (adenylate cyclase 5; minus strand). Cytogenetic location: 3q21.1.
Variant type: single nucleotide variant.
Coding change: c.203G>C on transcript NM_183357.3 (MANE Select); coding-DNA position 203, G replaced by C.
Protein change: p.Arg68Pro; replaces arginine 68 with proline.
Molecular consequence: missense variant.
Genome position (GRCh38, 1-based): chr3:123,448,343, C>G on the plus strand (G>C on the coding strand, the complement: ADCY5 is on the minus strand). VCF-style: chr3-123448343-C-G. GRCh37 (hg19) VCF-style: chr3-123167190-C-G.
Other names: c.203G>C, p.Arg68Pro (NM_001378259.1); short protein forms R68P.
Identifiers: ClinVar variation 1327797 (VCV001327797.5), dbSNP rs776480737, ClinGen allele CA2577731.

ClinVar aggregate classification (germline): Conflicting classifications of pathogenicity. Review status: criteria provided, conflicting classifications (1 of 4 stars). 2 submissions from 2 submitters: Uncertain significance (1); Likely benign (1). Last evaluated 2023-08-17.

Allele frequency attached by ClinVar (database versions not stated): ExAC 0.00002; gnomAD exomes 0.00003.
gnomAD v4.1: 125 of 1,525,148 alleles (0.0082%); highest among the groups gnomAD compares: Non-Finnish European, 0.011%; no homozygotes.

Submissions (2):

Labcorp Genetics (formerly Invitae), Labcorp
Classification: Likely benign. Last evaluated: 2023-08-17. Review status: criteria provided, single submitter. Criteria: Invitae Variant Classification Sherloc (09022015). Collection method: clinical testing. Allele origin: germline.

GeneDx
Classification: Uncertain significance. Last evaluated: 2021-05-04. Review status: criteria provided, single submitter. Criteria: GeneDx Variant Classification Process June 2021. Collection method: clinical testing. Allele origin: germline. Affected: yes.
Comment: Has not been previously published as pathogenic or benign to our knowledge; In silico analysis supports that this missense variant does not alter protein structure/function